The following is an entry in ClinVar:

NM_004172.5(SLC1A3):c.212A>G (p.Tyr71Cys)

Gene: SLC1A3 (solute carrier family 1 member 3; plus strand). Cytogenetic location: 5p13.2.
Variant type: single nucleotide variant.
Coding change: c.212A>G on transcript NM_004172.5 (MANE Select); coding-DNA position 212, A replaced by G.
Protein change: p.Tyr71Cys; replaces tyrosine 71 with cysteine.
Molecular consequence: missense variant. On other transcripts: intron variant (1).
Genome position (GRCh38, 1-based): chr5:36,629,480, A>G. VCF-style: chr5-36629480-A-G. GRCh37 (hg19) VCF-style: chr5-36629582-A-G.
Other names: c.212A>G, p.Tyr71Cys (NM_001166695.3, NM_001289940.2); c.181+20876A>G (NM_001289939.2); short protein forms Y71C.
Identifiers: ClinVar variation 353309 (VCV000353309.55), dbSNP rs573483474, ClinGen allele CA3235396.
Genomic context (GRCh38, chr5:36,629,480, plus strand): 5'-TCTTTTTCTTTTTTTTTTTTTTTCCTTCAGGTACAATCCTTGGATTTACCCTCCGACCAT[A>G]CAGAATGAGCTACCGGGAAGTCAAGTACTTCTCCTTTCCTGGGGAACTTCTGATGAGGAT-3'
Protein context (NP_004163.3, residues 61-81): GTILGFTLRP[Tyr71Cys]RMSYREVKYF

ClinVar aggregate classification (germline): Uncertain significance. Review status: criteria provided, multiple submitters, no conflicts (2 of 4 stars). 7 submissions from 7 submitters: Uncertain significance (7). Last evaluated 2024-10-23.

Conditions:
Episodic ataxia type 6. Identifiers: Orphanet 209967, MedGen C2675211, MONDO:0012982, OMIM 612656.

Allele frequency attached by ClinVar (database versions not stated): gnomAD exomes below 0.00001 and 0.00001; ExAC 0.00001; gnomAD 0.00001 and 0.00002; TOPMed 0.00003; 1000 Genomes Project 30x 0.00016; 1000 Genomes Project 0.00020.
gnomAD v4.1: 20 of 1,609,412 alleles (0.0012%); highest among the groups gnomAD compares: Middle Eastern, 0.05%; no homozygotes.

Submissions (7):

Labcorp Genetics (formerly Invitae), Labcorp
Classification: Uncertain significance. Last evaluated: 2024-10-23. Review status: criteria provided, single submitter. Criteria: Invitae Variant Classification Sherloc (09022015). Collection method: clinical testing. Allele origin: germline.
Comment: This sequence change replaces tyrosine, which is neutral and polar, with cysteine, which is neutral and slightly polar, at codon 71 of the SLC1A3 protein (p.Tyr71Cys). This variant is present in population databases (rs573483474, gnomAD 0.0009%). This variant has not been reported in the literature in individuals affected with SLC1A3-related conditions. ClinVar contains an entry for this variant (Variation ID: 353309). Invitae Evidence Modeling of protein sequence and biophysical properties (such as structural, functional, and spatial information, amino acid conservation, physicochemical variation, residue mobility, and thermodynamic stability) indicates that this missense variant is not expected to disrupt SLC1A3 protein function with a negative predictive value of 80%. In summary, the available evidence is currently insufficient to determine the role of this variant in disease. Therefore, it has been classified as a Variant of Uncertain Significance.

Blueprint Genetics
Classification: Uncertain significance. Last evaluated: 2023-03-03. Review status: criteria provided, single submitter. Criteria: ACMG Guidelines, 2015. Collection method: clinical testing. Allele origin: germline.

Clinical Genetics Laboratory, Skane University Hospital Lund
Classification: Uncertain significance. Last evaluated: 2022-05-27. Review status: criteria provided, single submitter. Criteria: ACMG Guidelines, 2015. Collection method: clinical testing. Allele origin: germline. Affected: yes.

Genome-Nilou Lab
Classification: Uncertain significance for Episodic ataxia type 6. Last evaluated: 2021-09-05. Review status: criteria provided, single submitter. Criteria: ACMG Guidelines, 2015. Collection method: clinical testing. Allele origin: germline. Affected: no.

CeGaT Center for Human Genetics Tuebingen
Classification: Uncertain significance. Last evaluated: 2019-06-01. Review status: criteria provided, single submitter. Criteria: CeGaT Center For Human Genetics Tuebingen Variant Classification Criteria Version 2. Collection method: clinical testing. Allele origin: germline. Affected: yes. Observed: 1 variant allele.

Athena Diagnostics
Classification: Uncertain significance. Last evaluated: 2018-08-22. Review status: criteria provided, single submitter. Criteria: Athena Diagnostics Criteria. Collection method: clinical testing. Allele origin: germline.

Illumina Laboratory Services, Illumina
Classification: Uncertain significance for Episodic ataxia type 6. Last evaluated: 2018-01-13. Review status: criteria provided, single submitter. Criteria: ICSL Variant Classification Criteria 13 December 2019. Collection method: clinical testing. Allele origin: germline.